The following is an entry in ClinVar:

ClinVar aggregate classification (germline): Uncertain significance (1 of 4 stars; one submission).

Submission:

GeneDx
Classification: Uncertain significance. Last evaluated: 2024-10-23. Review status: criteria provided, single submitter. Criteria: GeneDx Variant Classification Process June 2021. Collection method: clinical testing. Allele origin: germline. Affected: yes.
Comment: Not observed at significant frequency in large population cohorts (gnomAD); Nonsense variant predicted to result in protein truncation as the last 19 amino acid(s) are lost; Has not been previously published as pathogenic or benign to our knowledge

NM_000702.4(ATP1A2):c.3004C>T (p.Arg1002Ter)

Gene: ATP1A2 (ATPase Na+/K+ transporting subunit alpha 2; plus strand). Cytogenetic location: 1q23.2.
Variant type: single nucleotide variant.
Coding change: c.3004C>T on transcript NM_000702.4 (MANE Select); coding-DNA position 3004, C replaced by T.
Protein change: p.Arg1002Ter; replaces arginine 1002 with a stop codon.
Molecular consequence: nonsense.
Genome position (GRCh38, 1-based): chr1:160,139,954, C>T. VCF-style: chr1-160139954-C-T. GRCh37 (hg19) VCF-style: chr1-160109744-C-T.
Other names: short protein forms R1002*.
Identifiers: ClinVar variation 3893473 (VCV003893473.1).